The following is an entry in ClinVar:

NM_024809.5(TCTN2):c.765-291C>T

Gene: TCTN2 (tectonic family member 2; plus strand). Cytogenetic location: 12q24.31.
Variant type: single nucleotide variant.
Coding change: c.765-291C>T on transcript NM_024809.5 (MANE Select); 291 bases into the intron before coding-DNA position 765, C replaced by T.
Molecular consequence: intron variant.
Genome position (GRCh38, 1-based): chr12:123,687,760, C>T. VCF-style: chr12-123687760-C-T. GRCh37 (hg19) VCF-style: chr12-124172307-C-T.
Other names: c.762-291C>T (NM_001143850.3).
Identifiers: ClinVar variation 671911 (VCV000671911.1), dbSNP rs12829984, ClinGen allele CA13605557.

ClinVar aggregate classification (germline): Benign (1 of 4 stars; one submission).

Allele frequency attached by ClinVar (database versions not stated): 1000 Genomes Project 0.27216; gnomAD 0.36088; 1000 Genomes Project 30x 0.27686; TOPMed 0.35881.
gnomAD v4.1: 54,480 of 151,742 alleles (36%); highest among the groups gnomAD compares: African/African-American, 41%; 10,262 homozygotes.

Submission:

GeneDx
Classification: Benign. Last evaluated: 2018-06-19. Review status: criteria provided, single submitter. Criteria: GeneDx Variant Classification (06012015). Collection method: clinical testing. Allele origin: germline. Affected: yes.
Comment: This variant is considered likely benign or benign based on one or more of the following criteria: it is a conservative change, it occurs at a poorly conserved position in the protein, it is predicted to be benign by multiple in silico algorithms, and/or has population frequency not consistent with disease.